The following is an entry in ClinVar:

ClinVar aggregate classification (germline): Uncertain significance. Review status: criteria provided, multiple submitters, no conflicts (2 of 4 stars). 2 submissions from 2 submitters: Uncertain significance (2). Last evaluated 2025-05-29.

Conditions:
Cardiovascular phenotype. Identifiers: MedGen CN230736.

Allele frequency attached by ClinVar (database versions not stated): gnomAD 0.00001; TOPMed 0.00001.
gnomAD v4.1: 40 of 1,549,998 alleles (0.0026%); highest among the groups gnomAD compares: East Asian, 0.093%; no homozygotes.

Submissions (2):

Ambry Genetics
Classification: Uncertain significance for Cardiovascular phenotype. Last evaluated: 2025-05-29. Review status: criteria provided, single submitter. Criteria: Ambry Variant Classification Scheme 2023. Collection method: clinical testing. Allele origin: germline.

GeneDx
Classification: Uncertain significance. Last evaluated: 2019-06-25. Review status: criteria provided, single submitter. Criteria: GeneDx Variant Classification Process June 2021. Collection method: clinical testing. Allele origin: germline. Affected: yes.
Comment: In silico analysis, which includes protein predictors and evolutionary conservation, supports that this variant does not alter protein structure/function; Has not been previously published as pathogenic or benign to our knowledge

NM_001367624.2(ZNF469):c.2671G>T (p.Val891Leu)

Gene: ZNF469 (zinc finger protein 469; plus strand). Cytogenetic location: 16q24.2.
Variant type: single nucleotide variant.
Coding change: c.2671G>T on transcript NM_001367624.2 (MANE Select); coding-DNA position 2671, G replaced by T.
Protein change: p.Val891Leu; replaces valine 891 with leucine.
Molecular consequence: missense variant.
Genome position (GRCh38, 1-based): chr16:88,430,141, G>T. VCF-style: chr16-88430141-G-T. GRCh37 (hg19) VCF-style: chr16-88496549-G-T.
Other names: NM_001127464.1:c.2671G>T; short protein forms V891L.
Identifiers: ClinVar variation 546408 (VCV000546408.4), dbSNP rs753481187, ClinGen allele CA397074470.